The following is an entry in ClinVar:

ClinVar aggregate classification (germline): Uncertain significance (1 of 4 stars; one submission).

Allele frequency attached by ClinVar (database versions not stated): gnomAD exomes 0.00001.
gnomAD v4.1: 10 of 1,614,244 alleles (0.00062%); highest among the groups gnomAD compares: Non-Finnish European, 0.00085%; no homozygotes.

Submission:

Labcorp Genetics (formerly Invitae), Labcorp
Classification: Uncertain significance. Last evaluated: 2020-03-17. Review status: criteria provided, single submitter. Criteria: Invitae Variant Classification Sherloc (09022015). Collection method: clinical testing. Allele origin: germline.
Comment: Algorithms developed to predict the effect of missense changes on protein structure and function (SIFT, PolyPhen-2, Align-GVGD) all suggest that this variant is likely to be tolerated, but these predictions have not been confirmed by published functional studies and their clinical significance is uncertain. This variant has not been reported in the literature in individuals with CNGB1-related conditions. This variant is not present in population databases (ExAC no frequency). This sequence change replaces threonine with arginine at codon 327 of the CNGB1 protein (p.Thr327Arg). The threonine residue is weakly conserved and there is a moderate physicochemical difference between threonine and arginine. In summary, the available evidence is currently insufficient to determine the role of this variant in disease. Therefore, it has been classified as a Variant of Uncertain Significance.

NM_001297.5(CNGB1):c.980C>G (p.Thr327Arg)

Gene: CNGB1 (cyclic nucleotide gated channel subunit beta 1; minus strand). Cytogenetic location: 16q21.
Variant type: single nucleotide variant.
Coding change: c.980C>G on transcript NM_001297.5 (MANE Select); coding-DNA position 980, C replaced by G.
Protein change: p.Thr327Arg; replaces threonine 327 with arginine.
Molecular consequence: missense variant.
Genome position (GRCh38, 1-based): chr16:57,950,435, G>C on the plus strand (C>G on the coding strand, the complement: CNGB1 is on the minus strand). VCF-style: chr16-57950435-G-C. GRCh37 (hg19) VCF-style: chr16-57984339-G-C.
Other names: c.962C>G, p.Thr321Arg (NM_001286130.2); short protein forms T321R, T327R.
Identifiers: ClinVar variation 1035784 (VCV001035784.7), dbSNP rs910637111, ClinGen allele CA281621464.